The following is an entry in ClinVar:

NM_000440.3(PDE6A):c.1503C>A (p.Tyr501Ter)

Gene: PDE6A (phosphodiesterase 6A; minus strand). Cytogenetic location: 5q32.
Variant type: single nucleotide variant.
Coding change: c.1503C>A on transcript NM_000440.3 (MANE Select); coding-DNA position 1503, C replaced by A.
Protein change: p.Tyr501Ter; replaces tyrosine 501 with a stop codon.
Molecular consequence: nonsense.
Genome position (GRCh38, 1-based): chr5:149,896,473, G>T on the plus strand (C>A on the coding strand, the complement: PDE6A is on the minus strand). VCF-style: chr5-149896473-G-T. GRCh37 (hg19) VCF-style: chr5-149276036-G-T.
Other names: c.1260C>A, p.Tyr420Ter (NM_001410788.1); short protein forms Y420*, Y501*.
Identifiers: ClinVar variation 3671397 (VCV003671397.1).

ClinVar aggregate classification (germline): Pathogenic (1 of 4 stars; one submission).

Submission:

Labcorp Genetics (formerly Invitae), Labcorp
Classification: Pathogenic. Last evaluated: 2024-04-16. Review status: criteria provided, single submitter. Criteria: Invitae Variant Classification Sherloc (09022015). Collection method: clinical testing. Allele origin: germline.
Comment: This sequence change creates a premature translational stop signal (p.Tyr501*) in the PDE6A gene. It is expected to result in an absent or disrupted protein product. Loss-of-function variants in PDE6A are known to be pathogenic (PMID: 7493036, 22128245, 23847139). This variant is not present in population databases (gnomAD no frequency). This variant has not been reported in the literature in individuals affected with PDE6A-related conditions. For these reasons, this variant has been classified as Pathogenic.

Literature cited by the submitters: PubMed 7493036; PubMed 22128245; PubMed 23847139.